The following is an entry in ClinVar:

ClinVar aggregate classification (germline): Uncertain significance (1 of 4 stars; one submission).

gnomAD v4.1: 11 of 1,614,090 alleles (0.00068%); highest among the groups gnomAD compares: African/African-American, 0.0027%; no homozygotes.

Submission:

Labcorp Genetics (formerly Invitae), Labcorp
Classification: Uncertain significance. Last evaluated: 2025-10-03. Review status: criteria provided, single submitter. Criteria: Invitae Variant Classification Sherloc (09022015). Collection method: clinical testing. Allele origin: germline.
Comment: This sequence change replaces alanine, which is neutral and non-polar, with valine, which is neutral and non-polar, at codon 2038 of the FLNB protein (p.Ala2038Val). This variant is present in population databases (no rsID available, gnomAD 0.003%). This variant has not been reported in the literature in individuals affected with FLNB-related conditions. Invitae Evidence Modeling of protein sequence and biophysical properties (such as structural, functional, and spatial information, amino acid conservation, physicochemical variation, residue mobility, and thermodynamic stability) indicates that this missense variant is not expected to disrupt FLNB protein function with a negative predictive value of 95%. In summary, the available evidence is currently insufficient to determine the role of this variant in disease. Therefore, it has been classified as a Variant of Uncertain Significance.

NM_001457.4(FLNB):c.6113C>T (p.Ala2038Val)

Gene: FLNB (filamin B; plus strand). Cytogenetic location: 3p14.3.
Variant type: single nucleotide variant.
Coding change: c.6113C>T on transcript NM_001457.4 (MANE Select); coding-DNA position 6113, C replaced by T.
Protein change: p.Ala2038Val; replaces alanine 2038 with valine.
Molecular consequence: missense variant.
Genome position (GRCh38, 1-based): chr3:58,149,871, C>T. VCF-style: chr3-58149871-C-T. GRCh37 (hg19) VCF-style: chr3-58135598-C-T.
Other names: c.6206C>T, p.Ala2069Val (NM_001164317.2); c.6080C>T, p.Ala2027Val (NM_001164318.2); c.6041C>T, p.Ala2014Val (NM_001164319.2); short protein forms A2038V, A2014V, A2069V, A2027V.
Identifiers: ClinVar variation 4705779 (VCV004705779.1).